The following is an entry in ClinVar:

ClinVar aggregate classification (germline): Uncertain significance (1 of 4 stars; one submission).

Conditions:
Acute myeloid leukemia (AML). Also called: Leukemia, acute myeloid, somatic; Leukemia, acute myelogenous, somatic; Acute myeloid leukemia, adult; AML adult; Acute non-lymphocytic leukemia; Acute granulocytic leukemia. Identifiers: Orphanet 519, MedGen C0023467, MeSH D015470, MONDO:0018874, OMIM 601626, HP:0004808. Disease mechanism: Constitutively activated FLT3.

Submission:

Labcorp Genetics (formerly Invitae), Labcorp
Classification: Uncertain significance for Acute myeloid leukemia. Last evaluated: 2024-04-29. Review status: criteria provided, single submitter. Criteria: Invitae Variant Classification Sherloc (09022015). Collection method: clinical testing. Allele origin: germline.
Comment: This sequence change replaces glutamic acid, which is acidic and polar, with lysine, which is basic and polar, at codon 144 of the CEBPA protein (p.Glu144Lys). The frequency data for this variant in the population databases is considered unreliable, as metrics indicate insufficient coverage at this position in the gnomAD database. This variant has not been reported in the literature in individuals affected with CEBPA-related conditions. ClinVar contains an entry for this variant (Variation ID: 1717099). Advanced modeling of protein sequence and biophysical properties (such as structural, functional, and spatial information, amino acid conservation, physicochemical variation, residue mobility, and thermodynamic stability) performed at Invitae indicates that this missense variant is not expected to disrupt CEBPA protein function with a negative predictive value of 80%. In summary, the available evidence is currently insufficient to determine the role of this variant in disease. Therefore, it has been classified as a Variant of Uncertain Significance.

NM_004364.5(CEBPA):c.430G>A (p.Glu144Lys)

Gene: CEBPA (CCAAT enhancer binding protein alpha; minus strand). Cytogenetic location: 19q13.11.
Variant type: single nucleotide variant.
Coding change: c.430G>A on transcript NM_004364.5 (MANE Select); coding-DNA position 430, G replaced by A.
Protein change: p.Glu144Lys; replaces glutamic acid 144 with lysine.
Molecular consequence: missense variant.
Genome position (GRCh38, 1-based): chr19:33,301,985, C>T on the plus strand (G>A on the coding strand, the complement: CEBPA is on the minus strand). VCF-style: chr19-33301985-C-T. GRCh37 (hg19) VCF-style: chr19-33792891-C-T.
Other names: c.73G>A, p.Glu25Lys (NM_001285829.2); c.535G>A, p.Glu179Lys (NM_001287424.2); c.388G>A, p.Glu130Lys (NM_001287435.2); short protein forms E130K, E144K, E179K, E25K.
Identifiers: ClinVar variation 1717099 (VCV001717099.6), dbSNP rs2513331462, ClinGen allele CA405274972.